The following is an entry in ClinVar:

NC_000016.9:g.(?_89869647)_(89883023_?)del

Gene: FANCA (FA complementation group A; minus strand). Cytogenetic location: 16q24.3.
Variant type: Deletion.
Identifiers: ClinVar variation 3243240 (VCV003243240.1).

ClinVar aggregate classification (germline): Pathogenic (1 of 4 stars; one submission).

Conditions:
Fanconi anemia (FA). Also called: Fanconi's anemia. Identifiers: Orphanet 84, MedGen C0015625, MeSH D005199, MONDO:0019391.

Submission:

Labcorp Genetics (formerly Invitae), Labcorp
Classification: Pathogenic for Fanconi anemia. Last evaluated: 2022-09-28. Review status: criteria provided, single submitter. Criteria: Invitae Variant Classification Sherloc (09022015). Collection method: clinical testing. Allele origin: unknown.
Comment: For these reasons, this variant has been classified as Pathogenic. A similar copy number variant has been observed in individual(s) with Fanconi anemia (PMID: 22778927). This variant is a gross deletion of the genomic region encompassing exon(s) 1-8 of the FANCA gene, which includes the initiator codon. This deletion extends beyond the assayed region for this gene and therefore may encompass additional genes. It is expected to result in an absent or disrupted protein product. Loss-of-function variants in FANCA are known to be pathogenic (PMID: 19367192).

Literature cited by the submitters: PubMed 22778927; PubMed 19367192.